The following is an entry in ClinVar:

NM_004387.4(NKX2-5):c.335-3C>G

Gene: NKX2-5 (NK2 homeobox 5; minus strand). Cytogenetic location: 5q35.1.
Variant type: single nucleotide variant.
Coding change: c.335-3C>G on transcript NM_004387.4 (MANE Select); 3 bases into the intron before coding-DNA position 335, C replaced by G.
Molecular consequence: intron variant. On other transcripts: 3 prime UTR variant (2).
Genome position (GRCh38, 1-based): chr5:173,233,212, G>C on the plus strand (C>G on the coding strand, the complement: NKX2-5 is on the minus strand). VCF-style: chr5-173233212-G-C. GRCh37 (hg19) VCF-style: chr5-172660215-G-C.
Other names: c.*285C>G (NM_001166175.2); c.*131C>G (NM_001166176.2).
Identifiers: ClinVar variation 229066 (VCV000229066.5), dbSNP rs876657934, ClinGen allele CA10576656.

ClinVar aggregate classification (germline): Likely pathogenic (1 of 4 stars; one submission).

Conditions:
Abnormal heart morphology. Also called: Abnormality of cardiac morphology; Heart, malformation of. Identifiers: MedGen C0018798, MeSH D006330, HP:0001627.

Submission:

Laboratory for Molecular Medicine, Mass General Brigham Personalized Medicine
Classification: Likely pathogenic for Heart, malformation of. Last evaluated: 2016-11-04. Review status: criteria provided, single submitter. Criteria: LMM Criteria. Collection method: clinical testing. Allele origin: germline. Observed: 1 variant allele.
Comment: This variant is located in the 3' splice region. Computational tools suggest tha t this change impacts splicing, though their accuracy is unknown. In summary, al though additional studies are required to fully establish its clinical significa nce, the c.335-3C>G variant is likely pathogenic.